The following is an entry in ClinVar:

ClinVar aggregate classification (germline): Likely benign. Review status: criteria provided, multiple submitters, no conflicts (2 of 4 stars). 4 submissions from 4 submitters: Likely benign (3). 1 of the submissions does not count toward it. Last evaluated 2025-02-09.

Conditions:
Inborn genetic diseases. Identifiers: MedGen C0950123, MeSH D030342.
NBEA-related disorder. Also called: NBEA-related condition.

Allele frequency attached by ClinVar (database versions not stated): gnomAD 0.00027; TOPMed 0.00027; gnomAD exomes 0.00029; ESP Exome Variant Server 0.00034; ExAC 0.00057; 1000 Genomes Project 30x 0.00016; 1000 Genomes Project 0.00020.
gnomAD v4.1: 469 of 1,599,814 alleles (0.029%); highest among the groups gnomAD compares: Middle Eastern, 0.13%; 1 homozygote.

Submissions (4):

Ambry Genetics
Classification: Likely benign for Inborn genetic diseases. Last evaluated: 2025-02-09. Review status: criteria provided, single submitter. Criteria: Ambry Variant Classification Scheme 2023. Collection method: clinical testing. Allele origin: germline.

Blueprint Genetics
Classification: Likely benign. Last evaluated: 2024-09-15. Review status: criteria provided, single submitter. Criteria: ACMG Guidelines, 2015. Collection method: clinical testing. Allele origin: germline.

CeGaT Center for Human Genetics Tuebingen
Classification: Likely benign. Last evaluated: 2023-11-01. Review status: criteria provided, single submitter. Criteria: CeGaT Center For Human Genetics Tuebingen Variant Classification Criteria Version 2. Collection method: clinical testing. Allele origin: germline. Affected: yes. Observed: 1 variant allele.
Comment: NBEA: BS1

PreventionGenetics, part of Exact Sciences
Classification: Likely benign for NBEA-related condition. Last evaluated: 2022-04-01. Review status: no assertion criteria provided. Collection method: clinical testing. Allele origin: germline. Not counted in ClinVar's aggregate classification.
Comment: This variant is classified as likely benign based on ACMG/AMP sequence variant interpretation guidelines (Richards et al. 2015 PMID: 25741868, with internal and published modifications).

NM_001385012.1(NBEA):c.6188A>G (p.His2063Arg)

Gene: NBEA (neurobeachin; plus strand). Cytogenetic location: 13q13.3.
Variant type: single nucleotide variant.
Coding change: c.6188A>G on transcript NM_001385012.1 (MANE Select); coding-DNA position 6188, A replaced by G.
Protein change: p.His2063Arg; replaces histidine 2063 with arginine.
Molecular consequence: missense variant.
Genome position (GRCh38, 1-based): chr13:35,432,277, A>G. VCF-style: chr13-35432277-A-G. GRCh37 (hg19) VCF-style: chr13-36006414-A-G.
Other names: c.6179A>G, p.His2060Arg (NM_001379245.1); c.6188A>G, p.His2063Arg (NM_015678.5); c.6188A>G (NM_015678.4); short protein forms H2060R, H2063R.
Identifiers: ClinVar variation 2672541 (VCV002672541.26), dbSNP rs200789345, ClinGen allele CA6947270.
Genomic context (GRCh38, chr13:35,432,277, plus strand): 5'-CCAGCTATGCATTGTTATTAATAGGGATTACTTTTTTTCCCTCTACTCTTAGCCAATTGC[A>G]TGATTTCTGGCGTTTGGATTACTGGGAAGATGATCTTCGTCGAAGGAGACGATTTGTTCG-3'
Protein context (NP_001371941.1, residues 2053-2073): AWGAVSHSQL[His2063Arg]DFWRLDYWED